The following is an entry in ClinVar:

ClinVar aggregate classification (germline): Uncertain significance (1 of 4 stars; one submission).

Allele frequency attached by ClinVar (database versions not stated): TOPMed below 0.00001; gnomAD 0.00003.
gnomAD v4.1: 5 of 1,613,228 alleles (0.00031%); highest among the groups gnomAD compares: African/African-American, 0.0067%; no homozygotes.

Submission:

Labcorp Genetics (formerly Invitae), Labcorp
Classification: Uncertain significance. Last evaluated: 2025-09-02. Review status: criteria provided, single submitter. Criteria: Invitae Variant Classification Sherloc (09022015). Collection method: clinical testing. Allele origin: germline.
Comment: This sequence change replaces glutamine, which is neutral and polar, with glutamic acid, which is acidic and polar, at codon 2355 of the NBAS protein (p.Gln2355Glu). This variant is not present in population databases (gnomAD no frequency). This variant has not been reported in the literature in individuals affected with NBAS-related conditions. ClinVar contains an entry for this variant (Variation ID: 1895972). Invitae Evidence Modeling of protein sequence and biophysical properties (such as structural, functional, and spatial information, amino acid conservation, physicochemical variation, residue mobility, and thermodynamic stability) indicates that this missense variant is not expected to disrupt NBAS protein function with a negative predictive value of 95%. In summary, the available evidence is currently insufficient to determine the role of this variant in disease. Therefore, it has been classified as a Variant of Uncertain Significance.

NM_015909.4(NBAS):c.7063C>G (p.Gln2355Glu)

Gene: NBAS (NBAS subunit of NRZ tethering complex; minus strand). Cytogenetic location: 2p24.3.
Variant type: single nucleotide variant.
Coding change: c.7063C>G on transcript NM_015909.4 (MANE Select); coding-DNA position 7063, C replaced by G.
Protein change: p.Gln2355Glu; replaces glutamine 2355 with glutamic acid.
Molecular consequence: missense variant. On other transcripts: non-coding transcript variant (1).
Genome position (GRCh38, 1-based): chr2:15,167,101, G>C on the plus strand (C>G on the coding strand, the complement: NBAS is on the minus strand). VCF-style: chr2-15167101-G-C. GRCh37 (hg19) VCF-style: chr2-15307225-G-C.
Other names: short protein forms Q2355E.
Identifiers: ClinVar variation 1895972 (VCV001895972.3), dbSNP rs534262249, ClinGen allele CA43162650.